The following is an entry in ClinVar:

ClinVar aggregate classification (germline): Uncertain significance (1 of 4 stars; one submission).

Submission:

GeneDx
Classification: Uncertain significance. Last evaluated: 2020-12-18. Review status: criteria provided, single submitter. Criteria: GeneDx Variant Classification Process June 2021. Collection method: clinical testing. Allele origin: germline. Affected: yes.
Comment: Not observed in large population cohorts (Lek et al., 2016); In silico analysis supports that this missense variant has a deleterious effect on protein structure/function; Has not been previously published as pathogenic or benign to our knowledge

NM_002968.3(SALL1):c.2315A>G (p.Gln772Arg)

Gene: SALL1 (spalt like transcription factor 1; minus strand). Cytogenetic location: 16q12.1.
Variant type: single nucleotide variant.
Coding change: c.2315A>G on transcript NM_002968.3 (MANE Select); coding-DNA position 2315, A replaced by G.
Protein change: p.Gln772Arg; replaces glutamine 772 with arginine.
Molecular consequence: missense variant.
Genome position (GRCh38, 1-based): chr16:51,139,907, T>C on the plus strand (A>G on the coding strand, the complement: SALL1 is on the minus strand). VCF-style: chr16-51139907-T-C. GRCh37 (hg19) VCF-style: chr16-51173818-T-C.
Other names: c.2024A>G, p.Gln675Arg (NM_001127892.2); short protein forms Q675R, Q772R.
Identifiers: ClinVar variation 1219559 (VCV001219559.3), dbSNP rs2143442043, ClinGen allele CA395885545.
Genomic context (GRCh38, chr16:51,139,907, plus strand): 5'-TGGCCTCCCATATGCATTCGGATGTGCTGCTGCAGGACCACAGCGTTCGTGAACTTCTTC[T>C]GGCAGATGGGGCAGGAATGCTGGACTCTGAGCGGGGGCATAGCACGATGGACACTGTAGT-3'
Protein context (NP_002959.2, residues 762-782): LRVQHSCPIC[Gln772Arg]KKFTNAVVLQ